The following is an entry in ClinVar:

NM_133433.4(NIPBL):c.6399T>C (p.Leu2133=)

Gene: NIPBL (NIPBL cohesin loading factor; plus strand). Cytogenetic location: 5p13.2.
Variant type: single nucleotide variant.
Coding change: c.6399T>C on transcript NM_133433.4 (MANE Select); coding-DNA position 6399, T replaced by C.
Protein change: p.Leu2133=; no amino-acid change (leucine 2133 retained).
Molecular consequence: synonymous variant.
Genome position (GRCh38, 1-based): chr5:37,045,498, T>C. VCF-style: chr5-37045498-T-C. GRCh37 (hg19) VCF-style: chr5-37045600-T-C.
Other names: c.6399T>C, p.Leu2133= (NM_015384.5); c.6399T>C (NM_133433.3).
Identifiers: ClinVar variation 2985895 (VCV002985895.4), dbSNP rs752327065, ClinGen allele CA3236998.

ClinVar aggregate classification (germline): Likely benign. Review status: criteria provided, multiple submitters, no conflicts (2 of 4 stars). 2 submissions from 2 submitters: Likely benign (2). Last evaluated 2025-10-23.

Conditions:
NIPBL-related disorder. Also called: NIPBL-related condition.
Cornelia de Lange syndrome 1 (CDLS1). Also called: Brachmann de Lange syndrome; NIPBL-Related Cornelia de Lange Syndrome; TYPUS DEGENERATIVUS AMSTELODAMENSIS. Identifiers: Orphanet 199, MedGen C4551851, MONDO:0007387, OMIM 122470.

Allele frequency attached by ClinVar (database versions not stated): ExAC 0.00001; gnomAD 0.00006; TOPMed 0.00006; gnomAD exomes 0.00009.
gnomAD v4.1: 138 of 1,613,898 alleles (0.0086%); highest among the groups gnomAD compares: Non-Finnish European, 0.011%; no homozygotes.

Submissions (2):

Labcorp Genetics (formerly Invitae), Labcorp
Classification: Likely benign for Cornelia de Lange syndrome 1. Last evaluated: 2025-10-23. Review status: criteria provided, single submitter. Criteria: Invitae Variant Classification Sherloc (09022015). Collection method: clinical testing. Allele origin: germline.

PreventionGenetics, part of Exact Sciences
Classification: Likely benign for NIPBL-related condition. Last evaluated: 2024-10-17. Review status: criteria provided, single submitter. Criteria: ACMG Guidelines, 2015. Collection method: clinical testing. Allele origin: germline.
Comment: This variant is classified as likely benign based on ACMG/AMP sequence variant interpretation guidelines (Richards et al. 2015 PMID: 25741868, with internal and published modifications).